The following is an entry in ClinVar:

NM_001364905.1(LRBA):c.5757A>G (p.Ser1919=)

Gene: LRBA (LPS responsive beige-like anchor protein; minus strand). Cytogenetic location: 4q31.3.
Variant type: single nucleotide variant.
Coding change: c.5757A>G on transcript NM_001364905.1 (MANE Select); coding-DNA position 5757, A replaced by G.
Protein change: p.Ser1919=; no amino-acid change (serine 1919 retained).
Molecular consequence: synonymous variant.
Genome position (GRCh38, 1-based): chr4:150,683,715, T>C on the plus strand (A>G on the coding strand, the complement: LRBA is on the minus strand). VCF-style: chr4-150683715-T-C. GRCh37 (hg19) VCF-style: chr4-151604867-T-C.
Other names: p.Ser1919=; c.5757A>G, p.Ser1919= (NM_001199282.3, NM_001367550.1, NM_006726.5).
Identifiers: ClinVar variation 1152266 (VCV001152266.10), dbSNP rs145458055, ClinGen allele CA3102348.

ClinVar aggregate classification (germline): Likely benign. Review status: criteria provided, multiple submitters, no conflicts (2 of 4 stars). 2 submissions from 2 submitters: Likely benign (2). Last evaluated 2025-08-29.

Conditions:
Combined immunodeficiency due to LRBA deficiency. Also called: Common variable immunodeficiency 8, with autoimmunity. Identifiers: Orphanet 445018, MedGen C3553512, MONDO:0013863, OMIM 614700.

Allele frequency attached by ClinVar (database versions not stated): gnomAD exomes 0.00001; ExAC 0.00003; TOPMed 0.00003; gnomAD 0.00004; ESP Exome Variant Server 0.00015.
gnomAD v4.1: 59 of 1,582,800 alleles (0.0037%); highest among the groups gnomAD compares: Non-Finnish European, 0.0049%; no homozygotes.

Submissions (2):

Labcorp Genetics (formerly Invitae), Labcorp
Classification: Likely benign for Combined immunodeficiency due to LRBA deficiency. Last evaluated: 2025-08-29. Review status: criteria provided, single submitter. Criteria: Invitae Variant Classification Sherloc (09022015). Collection method: clinical testing. Allele origin: germline.

Mayo Clinic Laboratories, Mayo Clinic
Classification: Likely benign. Last evaluated: 2025-04-01. Review status: criteria provided, single submitter. Criteria: ACMG Guidelines, 2015. Collection method: clinical testing. Allele origin: germline. Observed: 2 variant alleles.
Comment: BP4, BP7